The following is an entry in ClinVar:

NM_153676.4(USH1C):c.249-1G>A

Gene: USH1C (USH1 protein network component harmonin; minus strand). Cytogenetic location: 11p15.1.
Variant type: single nucleotide variant.
Coding change: c.249-1G>A on transcript NM_153676.4 (MANE Select); the canonical splice acceptor site of the intron before coding-DNA position 249, G replaced by A.
Molecular consequence: splice acceptor variant.
Genome position (GRCh38, 1-based): chr11:17,531,293, C>T on the plus strand (G>A on the coding strand, the complement: USH1C is on the minus strand). VCF-style: chr11-17531293-C-T. GRCh37 (hg19) VCF-style: chr11-17552840-C-T.
Other names: c.249-1G>A (NM_001297764.2, NM_005709.4, NM_005709.3).
Identifiers: ClinVar variation 2679427 (VCV002679427.2), dbSNP rs1850962546, ClinGen allele CA379797514.

ClinVar aggregate classification (germline): Likely pathogenic. Review status: criteria provided, multiple submitters, no conflicts (2 of 4 stars). 2 submissions from 2 submitters: Likely pathogenic (2). Last evaluated 2024-10-28.

Conditions:
Usher syndrome type 1C. Also called: USHER SYNDROME, TYPE I, ACADIAN VARIETY. Identifiers: Orphanet 231169, Orphanet 886, MedGen C1848604, MONDO:0010171, OMIM 276904.
Autosomal recessive nonsyndromic hearing loss 18A. Also called: DEAFNESS, AUTOSOMAL RECESSIVE 18; Deafness, autosomal recessive 18A. Identifiers: Orphanet 90636, MedGen C1865870, MONDO:0011192, OMIM 602092.

Allele frequency attached by ClinVar (database versions not stated): gnomAD 0.00001.
gnomAD v4.1: 1 of 1,614,052 alleles (0.000062%); highest among the groups gnomAD compares: Non-Finnish European, 0.000085%; no homozygotes.

Submissions (2):

Natera, Inc.
Classification: Likely pathogenic for Usher syndrome type 1C. Last evaluated: 2024-10-28. Review status: criteria provided, single submitter. Criteria: Natera Variant Classification Schema (03/2026). Collection method: clinical testing. Allele origin: germline.
Comment: The c.249-1G>A variant in USH1C is a canonical splice acceptor site variant predicted to affect pre-mRNA splicing, which may result in an abnormal transcript and altered protein product. This variant is expected to result in nonsense mediated decay, truncation, or a dysfunctional protein product. This variant is rare in the general population with a frequency below the threshold expected for the associated phenotype(s). Given the available evidence, this variant is classified as Likely Pathogenic.

Baylor Genetics
Classification: Likely pathogenic for Autosomal recessive nonsyndromic hearing loss 18A. Last evaluated: 2023-03-12. Review status: criteria provided, single submitter. Criteria: ACMG Guidelines, 2015. Collection method: clinical testing. Allele origin: unknown.